The following is an entry in ClinVar:

ClinVar aggregate classification (germline): Uncertain significance. Review status: criteria provided, multiple submitters, no conflicts (2 of 4 stars). 2 submissions from 2 submitters: Uncertain significance (2). Last evaluated 2025-05-22.

Conditions:
Cardiovascular phenotype. Identifiers: MedGen CN230736.
Fabry disease. Also called: Fabry's disease; ALPHA-GALACTOSIDASE A DEFICIENCY; ANDERSON-FABRY DISEASE; CERAMIDE TRIHEXOSIDASE DEFICIENCY; GLA DEFICIENCY; HEREDITARY DYSTOPIC LIPIDOSIS. Identifiers: Orphanet 324, MedGen C0002986, MONDO:0010526, OMIM 301500, HP:0001071. Disease mechanism: Fabry disease is due to inactivating mutations in the X-linked GLA gene resulting in deficiency of the enzyme Alpha Galactosidase-A., loss of function.

Allele frequency attached by ClinVar (database versions not stated): gnomAD exomes below 0.00001.

Submissions (2):

Labcorp Genetics (formerly Invitae), Labcorp
Classification: Uncertain significance for Fabry disease. Last evaluated: 2025-05-22. Review status: criteria provided, single submitter. Criteria: Invitae Variant Classification Sherloc (09022015). Collection method: clinical testing. Allele origin: germline.
Comment: This sequence change replaces methionine, which is neutral and non-polar, with isoleucine, which is neutral and non-polar, at codon 353 of the GLA protein (p.Met353Ile). This variant is not present in population databases (gnomAD no frequency). This variant has not been reported in the literature in individuals affected with GLA-related conditions. ClinVar contains an entry for this variant (Variation ID: 2587899). Invitae Evidence Modeling of protein sequence and biophysical properties (such as structural, functional, and spatial information, amino acid conservation, physicochemical variation, residue mobility, and thermodynamic stability) indicates that this missense variant is not expected to disrupt GLA protein function with a negative predictive value of 80%. In summary, the available evidence is currently insufficient to determine the role of this variant in disease. Therefore, it has been classified as a Variant of Uncertain Significance.

Ambry Genetics
Classification: Uncertain significance for Cardiovascular phenotype. Last evaluated: 2023-06-20. Review status: criteria provided, single submitter. Criteria: Ambry Variant Classification Scheme 2023. Collection method: clinical testing. Allele origin: germline.
Comment: The p.M353I variant (also known as c.1059G>A), located in coding exon 7 of the GLA gene, results from a G to A substitution at nucleotide position 1059. The methionine at codon 353 is replaced by isoleucine, an amino acid with highly similar properties. This amino acid position is poorly conserved in available vertebrate species. In addition, this alteration is predicted to be tolerated by in silico analysis. Since supporting evidence is limited at this time, the clinical significance of this alteration remains unclear.

NM_000169.3(GLA):c.1059G>A (p.Met353Ile)

Genes: GLA (galactosidase alpha; minus strand), RPL36A-HNRNPH2 (RPL36A-HNRNPH2 readthrough; plus strand). Cytogenetic location: Xq22.1.
Variant type: single nucleotide variant.
Coding change: c.1059G>A on transcript NM_000169.3 (MANE Select); coding-DNA position 1059, G replaced by A.
Protein change: p.Met353Ile; replaces methionine 353 with isoleucine.
Molecular consequence: missense variant. On other transcripts: non-coding transcript variant (3), intron variant (2).
Genome position (GRCh38, 1-based): chrX:101,398,040, C>T on the plus strand (G>A on the coding strand, the complement: GLA is on the minus strand). VCF-style: chrX-101398040-C-T. GRCh37 (hg19) VCF-style: chrX-100653028-C-T.
Other names: c.1182G>A, p.Met394Ile (NM_001406747.1); c.300+2583C>T (NM_001199973.2); c.177+6218C>T (NM_001199974.2); short protein forms M353I, M394I.
Identifiers: ClinVar variation 2587899 (VCV002587899.3), dbSNP rs2066432822, ClinGen allele CA413920982.
Genomic context (GRCh38, chrX:101,398,040, plus strand): 5'-ACCCAGGGAAGCAACTGCGATGGTATAAGAGCGAGGTCCACCAATCTCCTGCCGGTTTAT[C>T]ATAGCTACAGCCCAGGCTAAGCCTGAGAGAGGTCGTTCCCACACTTCAAAGTTGTCTCCC-3'
Protein context (NP_000160.1, residues 343-363): PLSGLAWAVA[Met353Ile]INRQEIGGPR